The following is an entry in ClinVar:

ClinVar aggregate classification (germline): Uncertain significance. Review status: criteria provided, multiple submitters, no conflicts (2 of 4 stars). 3 submissions from 3 submitters: Uncertain significance (3). Last evaluated 2024-05-23.

Conditions:
Sucrase-isomaltase deficiency (CSID). Also called: Congenital sucrose isomaltose malabsorption; Sucrose isomaltose enzyme deficiency; Deficiency of isomaltase; SI DEFICIENCY. Identifiers: Orphanet 35122, MedGen C1283620, MONDO:0009114, OMIM 222900.

Allele frequency attached by ClinVar (database versions not stated): gnomAD 0.00014 and 0.00016; gnomAD exomes 0.00016; 1000 Genomes Project 30x 0.00047; 1000 Genomes Project 0.00060.
gnomAD v4.1: 269 of 1,610,218 alleles (0.017%); highest among the groups gnomAD compares: Admixed American, 0.032%; no homozygotes.

Submissions (3):

GeneDx
Classification: Uncertain significance. Last evaluated: 2024-05-23. Review status: criteria provided, single submitter. Criteria: GeneDx Variant Classification Process June 2021. Collection method: clinical testing. Allele origin: germline. Affected: yes.
Comment: Published functional studies demonstrate a damaging effect on protein maturation, localization, and overall enzymatic activity (PMID: 33375084); Reported in individuals with irritable bowel syndrome, although this variant was also present in controls (PMID: 29408290); In silico analysis supports that this missense variant has a deleterious effect on protein structure/function; This variant is associated with the following publications: (PMID: 28404951, 33375084, 29408290)

Fulgent Genetics
Classification: Uncertain significance for Sucrase-isomaltase deficiency. Last evaluated: 2024-04-26. Review status: criteria provided, single submitter. Criteria: ACMG Guidelines, 2015. Collection method: clinical testing. Allele origin: germline.

Labcorp Genetics (formerly Invitae), Labcorp
Classification: Uncertain significance. Last evaluated: 2022-08-23. Review status: criteria provided, single submitter. Criteria: Invitae Variant Classification Sherloc (09022015). Collection method: clinical testing. Allele origin: germline.
Comment: This sequence change replaces valine, which is neutral and non-polar, with aspartic acid, which is acidic and polar, at codon 717 of the SI protein (p.Val717Asp). This variant is present in population databases (rs188320908, gnomAD 0.02%). This missense change has been observed in individual(s) with clinical features of irritable bowel syndrome (PMID: 29408290). ClinVar contains an entry for this variant (Variation ID: 1437881). Advanced modeling of protein sequence and biophysical properties (such as structural, functional, and spatial information, amino acid conservation, physicochemical variation, residue mobility, and thermodynamic stability) performed at Invitae indicates that this missense variant is expected to disrupt SI protein function. In summary, the available evidence is currently insufficient to determine the role of this variant in disease. Therefore, it has been classified as a Variant of Uncertain Significance.

Literature cited by the submitters: PubMed 29408290 (cited by Labcorp Genetics (formerly Invitae), Labcorp).

NM_001041.4(SI):c.2150T>A (p.Val717Asp)

Gene: SI (sucrase-isomaltase; minus strand). Cytogenetic location: 3q26.1.
Variant type: single nucleotide variant.
Coding change: c.2150T>A on transcript NM_001041.4 (MANE Select); coding-DNA position 2150, T replaced by A.
Protein change: p.Val717Asp; replaces valine 717 with aspartic acid.
Molecular consequence: missense variant.
Genome position (GRCh38, 1-based): chr3:165,040,949, A>T on the plus strand (T>A on the coding strand, the complement: SI is on the minus strand). VCF-style: chr3-165040949-A-T. GRCh37 (hg19) VCF-style: chr3-164758737-A-T.
Other names: c.2150T>A (NM_001041.3); short protein forms V717D.
Identifiers: ClinVar variation 1437881 (VCV001437881.6), dbSNP rs188320908, ClinGen allele CA2690833.